The following is an entry in ClinVar:

ClinVar aggregate classification (germline): Uncertain significance (1 of 4 stars; one submission).

Conditions:
Hyperkalemic periodic paralysis. Also called: Familial hyperkalemic periodic paralysis; Gamstorp disease. Identifiers: Orphanet 682, MedGen C0238357, MONDO:0008224, OMIM 170500, HP:0007215.

Submission:

Labcorp Genetics (formerly Invitae), Labcorp
Classification: Uncertain significance for Hyperkalemic periodic paralysis. Last evaluated: 2023-11-21. Review status: criteria provided, single submitter. Criteria: Invitae Variant Classification Sherloc (09022015). Collection method: clinical testing. Allele origin: germline.
Comment: This sequence change replaces leucine, which is neutral and non-polar, with isoleucine, which is neutral and non-polar, at codon 858 of the SCN4A protein (p.Leu858Ile). This variant is not present in population databases (gnomAD no frequency). This variant has not been reported in the literature in individuals affected with SCN4A-related conditions. Advanced modeling of protein sequence and biophysical properties (such as structural, functional, and spatial information, amino acid conservation, physicochemical variation, residue mobility, and thermodynamic stability) performed at Invitae indicates that this missense variant is not expected to disrupt SCN4A protein function with a negative predictive value of 95%. In summary, the available evidence is currently insufficient to determine the role of this variant in disease. Therefore, it has been classified as a Variant of Uncertain Significance.

NM_000334.4(SCN4A):c.2572C>A (p.Leu858Ile)

Genes: GH-LCR (growth hormone locus control region; plus strand), SCN4A (sodium voltage-gated channel alpha subunit 4; minus strand). Cytogenetic location: 17q23.3.
Variant type: single nucleotide variant.
Coding change: c.2572C>A on transcript NM_000334.4 (MANE Select); coding-DNA position 2572, C replaced by A.
Protein change: p.Leu858Ile; replaces leucine 858 with isoleucine.
Molecular consequence: missense variant.
Genome position (GRCh38, 1-based): chr17:63,951,705, G>T on the plus strand (C>A on the coding strand, the complement: SCN4A is on the minus strand). VCF-style: chr17-63951705-G-T. GRCh37 (hg19) VCF-style: chr17-62029065-G-T.
Other names: short protein forms L858I.
Identifiers: ClinVar variation 2696284 (VCV002696284.3), dbSNP rs746992482, ClinGen allele CA400626668.
Genomic context (GRCh38, chr17:63,951,705, plus strand): 5'-CATCCTCGGGGGCAGTCTCCCCCGCCTCTCCAGCCTCCCCGGCCCCGTCAGCCTCCCCGA[G>T]GCTGAGCATGATGTCCTTGGGGCTCAGGATCTTGCCATGCAGCAGCCCCAGGAGGAAGGC-3'
Protein context (NP_000325.4, residues 848-868): ILSPKDIMLS[Leu858Ile]GEADGAGEAG